The following is an entry in ClinVar:

NM_001458.5(FLNC):c.7916T>C (p.Val2639Ala)

Genes: FLNC (filamin C; plus strand), FLNC-AS1 (FLNC antisense RNA 1; minus strand). Cytogenetic location: 7q32.1.
Variant type: single nucleotide variant.
Coding change: c.7916T>C on transcript NM_001458.5 (MANE Select); coding-DNA position 7916, T replaced by C.
Protein change: p.Val2639Ala; replaces valine 2639 with alanine.
Molecular consequence: missense variant.
Genome position (GRCh38, 1-based): chr7:128,858,143, T>C. VCF-style: chr7-128858143-T-C. GRCh37 (hg19) VCF-style: chr7-128498197-T-C.
Other names: c.7817T>C, p.Val2606Ala (NM_001127487.2); short protein forms V2606A, V2639A.
Identifiers: ClinVar variation 3754510 (VCV003754510.2).

ClinVar aggregate classification (germline): Uncertain significance (1 of 4 stars; one submission).

Conditions:
Myofibrillar myopathy 5. Also called: Filaminopathy (type); FILAMINOPATHY, AUTOSOMAL DOMINANT. Identifiers: Orphanet 171445, MedGen C1836050, MONDO:0012289, OMIM 609524.
Distal myopathy with posterior leg and anterior hand involvement. Also called: WILLIAMS DISTAL MYOPATHY. Identifiers: Orphanet 63273, MedGen C3279722, MONDO:0013550, OMIM 614065.
Hypertrophic cardiomyopathy 26. Also called: Cardiomyopathy, familial hypertrophic, 26. Identifiers: Orphanet 75249, MedGen C4310749, MONDO:0014883, OMIM 617047.

Submission:

Labcorp Genetics (formerly Invitae), Labcorp
Classification: Uncertain significance for Distal myopathy with posterior leg and anterior hand involvement; Myofibrillar myopathy 5; Hypertrophic cardiomyopathy 26. Last evaluated: 2025-12-22. Review status: criteria provided, single submitter. Criteria: Invitae Variant Classification Sherloc (09022015). Collection method: clinical testing. Allele origin: germline.
Comment: This sequence change replaces valine, which is neutral and non-polar, with alanine, which is neutral and non-polar, at codon 2639 of the FLNC protein (p.Val2639Ala). This variant is not present in population databases (gnomAD no frequency). This variant has not been reported in the literature in individuals affected with FLNC-related conditions. ClinVar contains an entry for this variant (Variation ID: 3754510). Invitae Evidence Modeling of protein sequence and biophysical properties (such as structural, functional, and spatial information, amino acid conservation, physicochemical variation, residue mobility, and thermodynamic stability) indicates that this missense variant is not expected to disrupt FLNC protein function with a negative predictive value of 95%. In summary, the available evidence is currently insufficient to determine the role of this variant in disease. Therefore, it has been classified as a Variant of Uncertain Significance.